The following is an entry in ClinVar:

NM_022089.4(ATP13A2):c.3084-3C>T

Gene: ATP13A2 (ATPase cation transporting 13A2; minus strand). Cytogenetic location: 1p36.13.
Variant type: single nucleotide variant.
Coding change: c.3084-3C>T on transcript NM_022089.4 (MANE Select); 3 bases into the intron before coding-DNA position 3084, C replaced by T.
Molecular consequence: intron variant.
Genome position (GRCh38, 1-based): chr1:16,986,959, G>A on the plus strand (C>T on the coding strand, the complement: ATP13A2 is on the minus strand). VCF-style: chr1-16986959-G-A. GRCh37 (hg19) VCF-style: chr1-17313454-G-A.
Other names: c.2952-3C>T (NM_001141974.3); c.3069-3C>T (NM_001141973.3).
Identifiers: ClinVar variation 128471 (VCV000128471.34), dbSNP rs7531163, ClinGen allele CA151956.

ClinVar aggregate classification (germline): Benign. Review status: criteria provided, multiple submitters, no conflicts (2 of 4 stars). 16 submissions from 15 submitters: Benign (11). 5 of the submissions do not count toward it. Last evaluated 2026-02-04.

Conditions:
Autosomal recessive spastic paraplegia type 78. Identifiers: Orphanet 513436, MedGen C5567893, MONDO:0014975, OMIM 617225.
Inborn genetic diseases. Identifiers: MedGen C0950123, MeSH D030342.
Kufor-Rakeb syndrome (KRS). Also called: PARKINSON DISEASE 9, AUTOSOMAL RECESSIVE, JUVENILE-ONSET. Identifiers: Orphanet 306674, Orphanet 314632, MedGen C1847640, MONDO:0011706, OMIM 606693.

Allele frequency attached by ClinVar (database versions not stated): ESP Exome Variant Server 0.21529; gnomAD 0.23688 and 0.24271; TOPMed 0.24437; ExAC 0.27393; gnomAD exomes 0.28188; 1000 Genomes Project 30x 0.29560; 1000 Genomes Project 0.30651.
gnomAD v4.1: 401,905 of 1,613,342 alleles (25%); highest among the groups gnomAD compares: East Asian, 54%; 53,206 homozygotes.

Submissions (23):

Labcorp Genetics (formerly Invitae), Labcorp
Classification: Benign for Kufor-Rakeb syndrome; Autosomal recessive spastic paraplegia type 78. Last evaluated: 2026-02-04. Review status: criteria provided, single submitter. Criteria: Invitae Variant Classification Sherloc (09022015). Collection method: clinical testing. Allele origin: germline.

Blueprint Genetics
Classification: Benign. Last evaluated: 2024-11-26. Review status: criteria provided, single submitter. Criteria: ACMG Guidelines, 2015. Collection method: clinical testing. Allele origin: germline.

Unidad de Genómica Garrahan, Hospital de Pediatría Garrahan
Classification: Benign. Last evaluated: 2024-07-15. Review status: criteria provided, single submitter. Criteria: ACMG Guidelines, 2015. Collection method: clinical testing. Allele origin: germline. Affected: no. Observed: 44 variant alleles.
Comment: This variant is classified as Benign based on local population frequency. This variant was detected in 47% of patients studied in a panel designed for Epileptic and Developmental Encephalopathy and Progressive Myoclonus Epilepsy. Number of patients: 44. Only high quality variants are reported.

Genome-Nilou Lab
Classification: Benign for Kufor-Rakeb syndrome. Last evaluated: 2021-07-14. Review status: criteria provided, single submitter. Criteria: ACMG Guidelines, 2015. Collection method: clinical testing. Allele origin: germline. Affected: no.

Genome-Nilou Lab
Classification: Benign for Autosomal recessive spastic paraplegia type 78. Last evaluated: 2021-07-14. Review status: criteria provided, single submitter. Criteria: ACMG Guidelines, 2015. Collection method: clinical testing. Allele origin: germline. Affected: no.

GeneDx
Classification: Benign. Last evaluated: 2018-07-05. Review status: criteria provided, single submitter. Criteria: GeneDx Variant Classification Process June 2021. Collection method: clinical testing. Allele origin: germline. Affected: yes.

Illumina Laboratory Services, Illumina
Classification: Benign for Kufor-Rakeb syndrome. Last evaluated: 2018-01-13. Review status: criteria provided, single submitter. Criteria: ICSL Variant Classification Criteria 13 December 2019. Collection method: clinical testing. Allele origin: germline.
Comment: This variant was observed in the ICSL laboratory as part of a predisposition screen in an ostensibly healthy population. It had not been previously curated by ICSL or reported in the Human Gene Mutation Database (HGMD: prior to June 1st, 2018), and was therefore a candidate for classification through an automated scoring system. Utilizing variant allele frequency, disease prevalence and penetrance estimates, and inheritance mode, an automated score was calculated to assess if this variant is too frequent to cause the disease. Based on the score and internal cut-off values, a variant classified as benign is not then subjected to further curation. The score for this variant resulted in a classification of benign for this disease.

Ambry Genetics
Classification: Benign for Inborn genetic diseases. Last evaluated: 2016-02-24. Review status: criteria provided, single submitter. Criteria: Ambry Variant Classification Scheme 2023. Collection method: clinical testing. Allele origin: germline.

Genetic Services Laboratory, University of Chicago
Classification: Benign for AllHighlyPenetrant. Last evaluated: 2013-08-15. Review status: criteria provided, single submitter. Criteria: ACMG Guidelines, 2007. Collection method: clinical testing. Allele origin: germline. Inheritance: Autosomal recessive inheritance.

Breakthrough Genomics
Classification: Benign. Review status: criteria provided, single submitter. Criteria: ACMG Guidelines, 2015. Collection method: not provided. Allele origin: germline. Inheritance: Autosomal recessive inheritance. Affected: yes.

PreventionGenetics, part of Exact Sciences
Classification: Benign. Review status: criteria provided, single submitter. Criteria: ACMG Guidelines, 2015. Collection method: clinical testing. Allele origin: germline.

Mayo Clinic Laboratories, Mayo Clinic
Classification: Benign. Last evaluated: 2015-12-16. Review status: no assertion criteria provided. Collection method: clinical testing. Allele origin: unknown. Not counted in ClinVar's aggregate classification.

Clinical Genetics DNA and cytogenetics Diagnostics Lab, Erasmus MC, Erasmus Medical Center
Classification: Benign. Review status: no assertion criteria provided. Collection method: clinical testing. Allele origin: germline. Affected: yes. Study: VKGL Data-share Consensus. Not counted in ClinVar's aggregate classification.

Diagnostic Laboratory, Department of Genetics, University Medical Center Groningen
Classification: Benign for Kufor-Rakeb syndrome. Review status: no assertion criteria provided. Collection method: clinical testing. Allele origin: germline. Affected: yes. Study: VKGL Data-share Consensus. Not counted in ClinVar's aggregate classification.

Dr. Peter K. Rogan Lab, Western University
No classification provided (evidence only). Condition: Hepatocellular carcinoma. Review status: no classification provided. Collection method: in vitro. Allele origin: not applicable. Functional consequence: retained intron. Not counted in ClinVar's aggregate classification.

Dr. Peter K. Rogan Lab, Western University
No classification provided (evidence only). Condition: Hepatocellular carcinoma. Review status: no classification provided. Collection method: in vitro. Allele origin: not applicable. Functional consequence: retained intron. Not counted in ClinVar's aggregate classification.

Dr. Peter K. Rogan Lab, Western University
No classification provided (evidence only). Condition: Hepatocellular carcinoma. Review status: no classification provided. Collection method: in vitro. Allele origin: not applicable. Functional consequence: retained intron. Not counted in ClinVar's aggregate classification.

Dr. Peter K. Rogan Lab, Western University
No classification provided (evidence only). Condition: Hepatocellular carcinoma. Review status: no classification provided. Collection method: in vitro. Allele origin: not applicable. Functional consequence: retained intron. Not counted in ClinVar's aggregate classification.

Dr. Peter K. Rogan Lab, Western University
No classification provided (evidence only). Condition: Hepatocellular carcinoma. Review status: no classification provided. Collection method: in vitro. Allele origin: not applicable. Functional consequence: retained intron. Not counted in ClinVar's aggregate classification.

Dr. Peter K. Rogan Lab, Western University
No classification provided (evidence only). Condition: Hepatocellular carcinoma. Review status: no classification provided. Collection method: in vitro. Allele origin: not applicable. Functional consequence: retained intron. Not counted in ClinVar's aggregate classification.

Dr. Peter K. Rogan Lab, Western University
No classification provided (evidence only). Condition: Familial cancer of breast. Review status: no classification provided. Collection method: in vitro. Allele origin: not applicable. Functional consequence: retained intron. Not counted in ClinVar's aggregate classification.

Genome Diagnostics Laboratory, Amsterdam University Medical Center
Classification: Benign. Review status: no assertion criteria provided. Collection method: clinical testing. Allele origin: germline. Affected: yes. Study: VKGL Data-share Consensus. Not counted in ClinVar's aggregate classification.

Joint Genome Diagnostic Labs from Nijmegen and Maastricht, Radboudumc and MUMC+
Classification: Benign. Review status: no assertion criteria provided. Collection method: clinical testing. Allele origin: germline. Affected: yes. Study: VKGL Data-share Consensus. Not counted in ClinVar's aggregate classification.